The following is an entry in ClinVar:

ClinVar aggregate classification (germline): Uncertain significance. Review status: criteria provided, multiple submitters, no conflicts (2 of 4 stars). 2 submissions from 2 submitters: Uncertain significance (2). Last evaluated 2025-05-28.

Allele frequency attached by ClinVar (database versions not stated): gnomAD exomes below 0.00001 and 0.00002; TOPMed below 0.00001; gnomAD 0.00001.
gnomAD v4.1: 34 of 1,613,524 alleles (0.0021%); highest among the groups gnomAD compares: African/African-American, 0.0027%; no homozygotes.

Submissions (2):

Ambry Genetics
Classification: Uncertain significance. Last evaluated: 2025-05-28. Review status: criteria provided, single submitter. Criteria: Ambry Variant Classification Scheme 2023. Collection method: clinical testing. Allele origin: germline.

Labcorp Genetics (formerly Invitae), Labcorp
Classification: Uncertain significance. Last evaluated: 2022-07-12. Review status: criteria provided, single submitter. Criteria: Invitae Variant Classification Sherloc (09022015). Collection method: clinical testing. Allele origin: germline.
Comment: In summary, the available evidence is currently insufficient to determine the role of this variant in disease. Therefore, it has been classified as a Variant of Uncertain Significance. Algorithms developed to predict the effect of missense changes on protein structure and function are either unavailable or do not agree on the potential impact of this missense change (SIFT: "Deleterious"; PolyPhen-2: "Probably Damaging"; Align-GVGD: "Class C15"). ClinVar contains an entry for this variant (Variation ID: 1499743). This variant has not been reported in the literature in individuals affected with HMCN1-related conditions. This variant is present in population databases (rs759934341, gnomAD 0.0009%). This sequence change replaces aspartic acid, which is acidic and polar, with asparagine, which is neutral and polar, at codon 5474 of the HMCN1 protein (p.Asp5474Asn).

NM_031935.3(HMCN1):c.16420G>A (p.Asp5474Asn)

Genes: HMCN1 (hemicentin 1; plus strand), LOC126805953 (P300/CBP strongly-dependent group 1 enhancer GRCh37_chr1:186156636-186157835; plus strand). Cytogenetic location: 1q31.1.
Variant type: single nucleotide variant.
Coding change: c.16420G>A on transcript NM_031935.3 (MANE Select); coding-DNA position 16420, G replaced by A.
Protein change: p.Asp5474Asn; replaces aspartic acid 5474 with asparagine.
Molecular consequence: missense variant.
Genome position (GRCh38, 1-based): chr1:186,187,888, G>A. VCF-style: chr1-186187888-G-A. GRCh37 (hg19) VCF-style: chr1-186157020-G-A.
Other names: c.16420G>A (NM_031935.2); short protein forms D5474N.
Identifiers: ClinVar variation 1499743 (VCV001499743.7), dbSNP rs759934341, ClinGen allele CA33471747.